The following is an entry in ClinVar:

ClinVar aggregate classification (germline): Pathogenic. Review status: reviewed by expert panel (3 of 4 stars). 28 submissions from 28 submitters: Pathogenic (1). 27 of the submissions do not count toward it. Last evaluated 2016-09-08.

Conditions:
BRCA2-related cancer predisposition. Identifiers: MedGen CN377758, MONDO:0700269.
Hereditary cancer-predisposing syndrome. Also called: Neoplastic Syndromes, Hereditary; Tumor predisposition; Hereditary Cancer Syndrome; Hereditary neoplastic syndrome. Identifiers: Orphanet 140162, MedGen C0027672, MeSH D009386, MONDO:0015356.
Hereditary breast ovarian cancer syndrome. Also called: Hereditary breast and ovarian cancer; Breast and ovarian cancer; Hereditary breast and/or ovarian cancer syndrome; Hereditary breast and ovarian cancer syndrome (HBOC); Hereditary breast and ovarian cancer syndrome; BRCA1- and BRCA2-Associated Hereditary Breast and Ovarian Cancer. Identifiers: Orphanet 145, MedGen C0677776, MeSH D061325, MONDO:0003582. Disease mechanism: loss of function.
Ovarian neoplasm. Also called: Ovarian tumor; Neoplasm of ovary; Ovarian Neoplasms. Identifiers: MedGen C0919267, MeSH D010051, MONDO:0021068, HP:0100615.
Breast-ovarian cancer, familial, susceptibility to, 2 (BROVCA2). Also called: BRCA2 Hereditary Breast and Ovarian Cancer. Identifiers: Orphanet 145, MedGen C2675520, MONDO:0012933, OMIM 612555. Disease mechanism: loss of function.
Pancreatic cancer, susceptibility to, 2. Identifiers: Orphanet 1333, MedGen C3150546, MONDO:0013235, OMIM 613347.
Familial cancer of breast. Also called: BREAST CANCER, FAMILIAL; Hereditary breast cancer; hereditary breast carcinoma. Identifiers: Orphanet 227535, MedGen C0346153, MONDO:0016419, OMIM 114480. Disease mechanism: loss of function.

Allele frequency attached by ClinVar (database versions not stated): gnomAD exomes below 0.00001.

Submissions 1 to 8 of 28:

Evidence-based Network for the Interpretation of Germline Mutant Alleles (ENIGMA)
Classification: Pathogenic for Breast-ovarian cancer, familial, susceptibility to, 2. Last evaluated: 2016-09-08. Review status: reviewed by expert panel. Criteria: ENIGMA BRCA1/2 Classification Criteria (2015). Collection method: curation. Allele origin: germline.
Comment: Variant allele predicted to encode a truncated non-functional protein.

Labcorp Genetics (formerly Invitae), Labcorp
Classification: Pathogenic for Hereditary breast ovarian cancer syndrome. Last evaluated: 2026-01-31. Review status: criteria provided, single submitter. Criteria: Invitae Variant Classification Sherloc (09022015). Collection method: clinical testing. Allele origin: germline. Not counted in ClinVar's aggregate classification.
Comment: This sequence change creates a premature translational stop signal (p.Asp1484Thrfs*2) in the BRCA2 gene. It is expected to result in an absent or disrupted protein product. Loss-of-function variants in BRCA2 are known to be pathogenic (PMID: 20104584). This variant is not present in population databases (gnomAD no frequency). This variant has not been reported in the literature in individuals affected with BRCA2-related conditions. This variant is also known as c.4677delA, 1485* and T1483fs. ClinVar contains an entry for this variant (Variation ID: 37904). For these reasons, this variant has been classified as Pathogenic.

Women's Health and Genetics/Laboratory Corporation of America, LabCorp
Classification: Pathogenic for Hereditary breast ovarian cancer syndrome. Last evaluated: 2025-09-29. Review status: criteria provided, single submitter. Criteria: LabCorp Variant Classification Summary - May 2015. Collection method: clinical testing. Allele origin: germline. Not counted in ClinVar's aggregate classification.
Comment: Variant summary: BRCA2 c.4449delA (p.Asp1484ThrfsX2) results in a premature termination codon, predicted to cause a truncation of the encoded protein or absence of the protein due to nonsense mediated decay, which are commonly known mechanisms for disease. The variant was absent in 250266 control chromosomes. c.4449delA has been observed in multiple individuals affected with Hereditary Breast And Ovarian Cancer Syndrome (e.g. Meindl_2002, Malone_2006, Leegte_2005). These data indicate that the variant is very likely to be associated with disease. To our knowledge, no experimental evidence demonstrating an impact on protein function has been reported. The following publications have been ascertained in the context of this evaluation (PMID: 20104584, 11802209, 15131399, 16912212, 15744030, 18403564, 16683254). ClinVar contains an entry for this variant (Variation ID: 37904). Based on the evidence outlined above, the variant was classified as pathogenic.

Molecular Diagnostics Laboratory, Catalan Institute of Oncology
Classification: Pathogenic for Hereditary cancer-predisposing syndrome. Last evaluated: 2025-05-27. Review status: criteria provided, single submitter. Criteria: ClinGen BRCA1BRCA2 ACMG Specifications BRCA2 V1.0.0. Collection method: clinical testing. Allele origin: germline. Not counted in ClinVar's aggregate classification.
Comment: PVS1, PM5_PTC_Strong c.4449del, located in exon 11 of the BRCA2 gene, consists in the deletion of 1 nucleotide, causing a translational frameshift with a predicted alternate stop codon, p.(Asp1484ThrfsTer2). This alteration is expected to result in loss of function by premature protein truncation and nonsense-mediated mRNA decay (PVS1, PM5_PTC_Strong). It is not present in the population database gnomAD v2.1.1, non cancer dataset. No effect is predicted on splicing by SpliceAI. To our knowledge, neither relevant clinical data nor well-stablished functional studies have been reported for this variant. In addition, this variant has been reported in the ClinVar database (23x pathogenic), in the LOVD database (41x pathogenic) and in the BRCA Exchange database as a pathogenic variant (�Variant allele predicted to encode a truncated non-functional protein�). Based on currently available information, the variant c.4449del should be considered a pathogenic variant according to ClinGen-BRCA2 Guidelines version v1.0.0.

Ambry Genetics
Classification: Pathogenic for Hereditary cancer-predisposing syndrome. Last evaluated: 2025-04-17. Review status: criteria provided, single submitter. Criteria: Ambry Variant Classification Scheme 2023. Collection method: clinical testing. Allele origin: germline. Not counted in ClinVar's aggregate classification.
Comment: The c.4449delA pathogenic mutation, located in coding exon 10 of the BRCA2 gene, results from a deletion of one nucleotide at nucleotide position 4449, causing a translational frameshift with a predicted alternate stop codon (p.D1484Tfs*2). This mutation has been reported in multiple familial breast, ovarian, and prostate cancer kindreds to date (Meindl A et al. Int. J. Cancer 2002 Feb;97:472-80; Leegte B et al. J. Med. Genet. 2005 Mar;42:e20; Borg A et al. Hum. Mutat. 2010 Mar;31:E1200-40; Maier C et al. Prostate 2014 Oct;74:1444-51; Weren RD et al. Hum. Mutat. 2017 Feb;38(2):226-235). Of note, this alteration is also designated as 4677delA in published literature. This variant is considered to be rare based on population cohorts in the Genome Aggregation Database (gnomAD). In addition to the clinical data presented in the literature, this alteration is expected to result in loss of function by premature protein truncation or nonsense-mediated mRNA decay. As such, this alteration is interpreted as a disease-causing mutation.

ARUP Laboratories, Molecular Genetics and Genomics, ARUP Laboratories
Classification: Pathogenic. Last evaluated: 2025-01-13. Review status: criteria provided, single submitter. Criteria: ARUP Molecular Germline Variant Investigation Process 2024. Collection method: clinical testing. Allele origin: germline. Not counted in ClinVar's aggregate classification.
Comment: The BRCA2 c.4449del; p.Asp1484ThrfsTer2 variant (rs80359448), also known as 4677delA, is reported in the literature in multiple individuals and families affected with breast, ovarian, or prostate cancer (Harter 2017, Maier 2014, Meindl 2002, Vos 2019, Weren 2017). This variant is absent from the Genome Aggregation Database, indicating it is not a common polymorphism. This variant causes a frameshift by deleting a single nucleotide, so it is predicted to result in a truncated protein or mRNA subject to nonsense-mediated decay. Based on available information, this variant is considered to be pathogenic. References: Harter P et al. Prevalence of deleterious germline variants in risk genes including BRCA1/2 in consecutive ovarian cancer patients (AGO-TR-1). PLoS One. 2017 Oct 20;12(10):e0186043. PMID: 29053726. Maier C et al. Subgroups of familial and aggressive prostate cancer with considerable frequencies of BRCA2 mutations. Prostate. 2014 Oct;74(14):1444-51. PMID: 25111659. Meindl A et al. Comprehensive analysis of 989 patients with breast or ovarian cancer provides BRCA1 and BRCA2 mutation profiles and frequencies for the German population. Int J Cancer. 2002 Feb 1;97(4):472-80. PMID: 11802209. Vos JR et al. Universal tumor DNA BRCA1/2 testing of ovarian cancer: prescreening PARPi treatment and genetic predisposition. J Natl Cancer Inst. 2019 May 11. pii: djz080. PMID: 31076742. Weren RD et al. Novel BRCA1 and BRCA2 Tumor Test as Basis for Treatment Decisions and Referral for Genetic Counselling of Patients with Ovarian Carcinomas. Hum Mutat. 2017 Feb;38(2):226-235. PMID: 27767231.

Quest Diagnostics Nichols Institute San Juan Capistrano
Classification: Pathogenic. Last evaluated: 2024-10-08. Review status: criteria provided, single submitter. Criteria: Quest Diagnostics criteria. Collection method: clinical testing. Allele origin: unknown. Not counted in ClinVar's aggregate classification.
Comment: The BRCA2 c.4449del (p.Asp1484Thrfs*2) variant alters the translational reading frame of the BRCA2 mRNA and causes the premature termination of BRCA2 protein synthesis. This variant has been reported in the published literature in individuals affected with prostate cancer (PMID: 25111659 (2014)), breast cancer (PMID: 20104584 (2010), 15744030 (2005)), uterine cancer (PMID: 34326862 (2021)), pancreatic cancer (PMID: 32073954 (2020)), a reportedly healthy individual (PMID: 31589614 (2019)) and as somatic in ovarian cancer (PMID: 27767231 (2017)). In a large scale breast cancer association study, this variant has been observed in one breast cancer case and one reportedly healthy individual (PMID: 33471991 (2021), see also LOVD). This variant has not been reported in large, multi-ethnic general populations (Genome Aggregation Database). Based on the available information, this variant is classified as pathogenic.

CeGaT Center for Human Genetics Tuebingen
Classification: Pathogenic. Last evaluated: 2024-10-01. Review status: criteria provided, single submitter. Criteria: CeGaT Center For Human Genetics Tuebingen Variant Classification Criteria Version 2. Collection method: clinical testing. Allele origin: germline. Affected: yes. Observed: 2 variant alleles. Not counted in ClinVar's aggregate classification.
Comment: BRCA2: PVS1, PM2

NM_000059.4(BRCA2):c.4449del (p.Asp1484fs)

Gene: BRCA2 (BRCA2 DNA repair associated; plus strand). Cytogenetic location: 13q13.1.
Variant type: Deletion.
Coding change: c.4449del on transcript NM_000059.4 (MANE Select); coding-DNA position 4449, one base deleted (A; older notation c.4449delA).
Protein change: p.Asp1484fs; shifts the reading frame from aspartic acid 1484.
Molecular consequence: frameshift variant.
Genome position (GRCh38, 1-based): chr13:32,338,804, A deleted. VCF-style (leftmost placement, unchanged base first): chr13-32338803-CA-C. GRCh37 (hg19) VCF-style: chr13-32912940-CA-C.
Other names: 4677delA; c.4449delA (NM_000059.3).
Identifiers: ClinVar variation 37904 (VCV000037904.80), dbSNP rs80359448, ClinGen allele CA020195.